The following is an entry in ClinVar:

ClinVar aggregate classification (germline): Uncertain significance (1 of 4 stars; one submission).

gnomAD v4.1: 6 of 1,611,010 alleles (0.00037%); highest among the groups gnomAD compares: Non-Finnish European, 0.00051%; no homozygotes.

Submission:

Labcorp Genetics (formerly Invitae), Labcorp
Classification: Uncertain significance. Last evaluated: 2022-05-19. Review status: criteria provided, single submitter. Criteria: Invitae Variant Classification Sherloc (09022015). Collection method: clinical testing. Allele origin: germline.
Comment: In summary, the available evidence is currently insufficient to determine the role of this variant in disease. Therefore, it has been classified as a Variant of Uncertain Significance. This sequence change replaces arginine, which is basic and polar, with leucine, which is neutral and non-polar, at codon 248 of the TRMT5 protein (p.Arg248Leu). This variant is not present in population databases (gnomAD no frequency). This variant has not been reported in the literature in individuals affected with TRMT5-related conditions. Algorithms developed to predict the effect of missense changes on protein structure and function (SIFT, PolyPhen-2, Align-GVGD) all suggest that this variant is likely to be disruptive.

NM_020810.3(TRMT5):c.743G>T (p.Arg248Leu)

Gene: TRMT5 (tRNA methyltransferase 5; minus strand). Cytogenetic location: 14q23.1.
Variant type: single nucleotide variant.
Coding change: c.743G>T on transcript NM_020810.3 (MANE Select); coding-DNA position 743, G replaced by T.
Protein change: p.Arg248Leu; replaces arginine 248 with leucine.
Molecular consequence: missense variant.
Genome position (GRCh38, 1-based): chr14:60,977,563, C>A on the plus strand (G>T on the coding strand, the complement: TRMT5 is on the minus strand). VCF-style: chr14-60977563-C-A. GRCh37 (hg19) VCF-style: chr14-61444281-C-A.
Other names: c.827G>T, p.Arg276Leu (NM_001350253.1); c.824G>T, p.Arg275Leu (NM_001350254.1); short protein forms R275L, R248L, R276L.
Identifiers: ClinVar variation 1996294 (VCV001996294.4), dbSNP rs561427337, ClinGen allele CA389920228.